The following is an entry in ClinVar:

NM_178170.3(NEK8):c.1966C>T (p.Arg656Trp)

Gene: NEK8 (NIMA related kinase 8; plus strand). Cytogenetic location: 17q11.2.
Variant type: single nucleotide variant.
Coding change: c.1966C>T on transcript NM_178170.3 (MANE Select); coding-DNA position 1966, C replaced by T.
Protein change: p.Arg656Trp; replaces arginine 656 with tryptophan.
Molecular consequence: missense variant.
Genome position (GRCh38, 1-based): chr17:28,741,487, C>T. VCF-style: chr17-28741487-C-T. GRCh37 (hg19) VCF-style: chr17-27068505-C-T.
Other names: short protein forms R656W.
Identifiers: ClinVar variation 4706623 (VCV004706623.1).

ClinVar aggregate classification (germline): Uncertain significance (1 of 4 stars; one submission).

Conditions:
Nephronophthisis 9 (NPHP9). Identifiers: Orphanet 655, MedGen C3151188, MONDO:0013444, OMIM 613824.

gnomAD v4.1: 17 of 1,614,030 alleles (0.0011%); highest among the groups gnomAD compares: African/African-American, 0.0027%; no homozygotes.

Submission:

Labcorp Genetics (formerly Invitae), Labcorp
Classification: Uncertain significance for Nephronophthisis 9. Last evaluated: 2025-12-20. Review status: criteria provided, single submitter. Criteria: Invitae Variant Classification Sherloc (09022015). Collection method: clinical testing. Allele origin: germline.
Comment: This sequence change replaces arginine, which is basic and polar, with tryptophan, which is neutral and slightly polar, at codon 656 of the NEK8 protein (p.Arg656Trp). This variant is present in population databases (rs368153226, gnomAD 0.008%). This variant has not been reported in the literature in individuals affected with NEK8-related conditions. An algorithm developed to predict the effect of missense changes on protein structure and function (PolyPhen-2) suggests that this variant is likely to be disruptive. Algorithms developed to predict the effect of sequence changes on RNA splicing suggest that this variant may disrupt the consensus splice site. In summary, the available evidence is currently insufficient to determine the role of this variant in disease. Therefore, it has been classified as a Variant of Uncertain Significance.